The following is an entry in ClinVar:

NM_002055.5(GFAP):c.1235C>G (p.Thr412Ser)

Gene: GFAP (glial fibrillary acidic protein; minus strand). Cytogenetic location: 17q21.31.
Variant type: single nucleotide variant.
Coding change: c.1235C>G on transcript NM_002055.5 (MANE Select); coding-DNA position 1235, C replaced by G.
Protein change: p.Thr412Ser; replaces threonine 412 with serine.
Molecular consequence: missense variant.
Genome position (GRCh38, 1-based): chr17:44,908,086, G>C on the plus strand (C>G on the coding strand, the complement: GFAP is on the minus strand). VCF-style: chr17-44908086-G-C. GRCh37 (hg19) VCF-style: chr17-42985454-G-C.
Other names: c.1355C>G, p.Thr452Ser (NM_001363846.2); short protein forms T412S, T452S.
Identifiers: ClinVar variation 1712750 (VCV001712750.2), dbSNP rs1597853099, ClinGen allele CA399838857.

ClinVar aggregate classification (germline): Uncertain significance (1 of 4 stars; one submission).

Submission:

GeneDx
Classification: Uncertain significance. Last evaluated: 2022-04-29. Review status: criteria provided, single submitter. Criteria: GeneDx Variant Classification Process June 2021. Collection method: clinical testing. Allele origin: germline. Affected: yes.
Comment: Not observed at significant frequency in large population cohorts (gnomAD); In silico analysis supports that this missense variant has a deleterious effect on protein structure/function; Has not been previously published as pathogenic or benign to our knowledge